The following is an entry in ClinVar:

NM_181426.2(CCDC39):c.594dup (p.Thr199fs)

Gene: CCDC39 (coiled-coil domain 39 molecular ruler complex subunit; minus strand). Cytogenetic location: 3q26.33.
Variant type: Duplication.
Coding change: c.594dup on transcript NM_181426.2 (MANE Select); coding-DNA position 594, one base duplicated (G; older notation c.594dupG).
Protein change: p.Thr199fs; shifts the reading frame from threonine 199.
Molecular consequence: frameshift variant.
Genome position (GRCh38, 1-based): chr3:180,659,692, C duplicated on the plus strand (G on the coding strand, the reverse complement: CCDC39 is on the minus strand). VCF-style (leftmost placement, unchanged base first): chr3-180659691-T-TC. GRCh37 (hg19) VCF-style: chr3-180377479-T-TC.
Other names: NP_852091.1:p.(Thr199AspfsTer10); short protein forms T199fs.
Identifiers: ClinVar variation 5010292 (VCV005010292.1).

ClinVar aggregate classification (germline): Likely pathogenic (1 of 4 stars; one submission).

Conditions:
Primary ciliary dyskinesia 14. Also called: CILIARY DYSKINESIA, PRIMARY, 14, WITH OR WITHOUT SITUS INVERSUS. Identifiers: Orphanet 244, MedGen C3151136, MONDO:0013434, OMIM 613807.

Submission:

Laboratorio de Genomica, Unidad de Medicina Traslacional, Hospital de Ninos R. Gutierrez
Classification: Likely pathogenic for Primary ciliary dyskinesia 14. Last evaluated: 2026-09-02. Review status: criteria provided, single submitter. Criteria: Institutional Variant Interpretation Framework ClinVar UMT Version 1. Collection method: clinical testing. Allele origin: germline. Affected: yes. Observed: 1 variant allele.
Comment: The variant, NM_181426.2:c.594dup , is a duplication at position 594 of the coding sequence. This variant is predicted to cause a frameshift, resulting in the replacement of Threonine at position 199 of the protein by an Aspartic Acid and the generation of a premature stop codon 10 codons downstream, NP_852091.1:p.(Thr199AspfsTer10). It cannot be ruled out that this leads to loss or disruption of normal protein function, either due to mRNA degradation through Nonsense Mediated Decay (NMD), or due to the synthesis of a truncated protein (PVS1). This variant has not been previously reported in the literature or in the available population databases (GnomAD-exomes/genomes) (PM2_supp). The variant is classified as Likely Pathogenic.